The following is an entry in ClinVar:

ClinVar aggregate classification (germline): Uncertain significance (1 of 4 stars; one submission).

Conditions:
Beckwith-Wiedemann syndrome (BWS). Also called: Exomphalos macroglossia gigantism syndrome; EMG SYNDROME. Identifiers: Orphanet 116, MedGen C0004903, MONDO:0007534, OMIM 130650.

Submission:

Labcorp Genetics (formerly Invitae), Labcorp
Classification: Uncertain significance for Beckwith-Wiedemann syndrome. Last evaluated: 2022-03-14. Review status: criteria provided, single submitter. Criteria: Invitae Variant Classification Sherloc (09022015). Collection method: clinical testing. Allele origin: germline.
Comment: Algorithms developed to predict the effect of missense changes on protein structure and function (SIFT, PolyPhen-2, Align-GVGD) all suggest that this variant is likely to be tolerated. This variant has not been reported in the literature in individuals affected with CDKN1C-related conditions. This variant is not present in population databases (gnomAD no frequency). This sequence change replaces serine, which is neutral and polar, with threonine, which is neutral and polar, at codon 125 of the CDKN1C protein (p.Ser125Thr). In summary, the available evidence is currently insufficient to determine the role of this variant in disease. Therefore, it has been classified as a Variant of Uncertain Significance.

NM_001122630.2(CDKN1C):c.340T>A (p.Ser114Thr)

Gene: CDKN1C (cyclin dependent kinase inhibitor 1C; minus strand). Cytogenetic location: 11p15.4.
Variant type: single nucleotide variant.
Coding change: c.340T>A on transcript NM_001122630.2 (MANE Select); coding-DNA position 340, T replaced by A.
Protein change: p.Ser114Thr; replaces serine 114 with threonine.
Molecular consequence: missense variant. On other transcripts: intron variant (1).
Genome position (GRCh38, 1-based): chr11:2,885,117, A>T on the plus strand (T>A on the coding strand, the complement: CDKN1C is on the minus strand). VCF-style: chr11-2885117-A-T. GRCh37 (hg19) VCF-style: chr11-2906347-A-T.
Other names: c.373T>A, p.Ser125Thr (NM_000076.2, NM_001362474.2); c.340T>A, p.Ser114Thr (NM_001122631.2); c.255+85T>A (NM_001362475.2); short protein forms S114T, S125T.
Identifiers: ClinVar variation 2112020 (VCV002112020.4), dbSNP rs1319558011, ClinGen allele CA379146834.